The following is an entry in ClinVar:

NM_001080779.2(MYO1C):c.177C>T (p.Ser59=)

Gene: MYO1C (myosin IC; minus strand). Cytogenetic location: 17p13.3.
Variant type: single nucleotide variant.
Coding change: c.177C>T on transcript NM_001080779.2 (MANE Select); coding-DNA position 177, C replaced by T.
Protein change: p.Ser59=; no amino-acid change (serine 59 retained).
Molecular consequence: synonymous variant.
Genome position (GRCh38, 1-based): chr17:1,484,202, G>A on the plus strand (C>T on the coding strand, the complement: MYO1C is on the minus strand). VCF-style: chr17-1484202-G-A. GRCh37 (hg19) VCF-style: chr17-1387496-G-A.
Other names: c.120C>T, p.Ser40= (NM_001080950.2); c.105C>T, p.Ser35= (NM_001363855.1); c.72C>T, p.Ser24= (NM_033375.5).
Identifiers: ClinVar variation 514564 (VCV000514564.2), dbSNP rs146239773, ClinGen allele CA8268177.

ClinVar aggregate classification (germline): Likely benign. Review status: criteria provided, multiple submitters, no conflicts (2 of 4 stars). 2 submissions from 2 submitters: Likely benign (2). Last evaluated 2018-01-09.

Allele frequency attached by ClinVar (database versions not stated): 1000 Genomes Project 0.00040; ExAC 0.00051; 1000 Genomes Project 30x 0.00109; gnomAD 0.00127 and 0.00145; ESP Exome Variant Server 0.00138; TOPMed 0.00159.
gnomAD v4.1: 515 of 1,612,896 alleles (0.032%); highest among the groups gnomAD compares: African/African-American, 0.5%; 6 homozygotes.

Submissions (2):

GeneDx
Classification: Likely benign. Last evaluated: 2018-01-09. Review status: criteria provided, single submitter. Criteria: GeneDx Variant Classification (06012015). Collection method: clinical testing. Allele origin: germline. Affected: yes.
Comment: This variant is considered likely benign or benign based on one or more of the following criteria: it is a conservative change, it occurs at a poorly conserved position in the protein, it is predicted to be benign by multiple in silico algorithms, and/or has population frequency not consistent with disease.

Breakthrough Genomics
Classification: Likely benign. Review status: criteria provided, single submitter. Criteria: ACMG Guidelines, 2015. Collection method: not provided. Allele origin: germline. Inheritance: Unknown mechanism. Affected: yes.